The following is an entry in ClinVar:

NM_007272.3(CTRC):c.347T>C (p.Leu116Pro)

Gene: CTRC (chymotrypsin C; plus strand). Cytogenetic location: 1p36.21.
Variant type: single nucleotide variant.
Coding change: c.347T>C on transcript NM_007272.3 (MANE Select); coding-DNA position 347, T replaced by C.
Protein change: p.Leu116Pro; replaces leucine 116 with proline.
Molecular consequence: missense variant.
Genome position (GRCh38, 1-based): chr1:15,442,563, T>C. VCF-style: chr1-15442563-T-C. GRCh37 (hg19) VCF-style: chr1-15769059-T-C.
Other names: p.Leu116Pro; short protein forms L116P.
Identifiers: ClinVar variation 1731840 (VCV001731840.9), dbSNP rs1304527540, ClinGen allele CA338565724.

ClinVar aggregate classification (germline): Uncertain significance. Review status: criteria provided, multiple submitters, no conflicts (2 of 4 stars). 3 submissions from 3 submitters: Uncertain significance (3). Last evaluated 2025-12-22.

Conditions:
Hereditary pancreatitis (PCTT). Also called: Hereditary chronic pancreatitis; PRSS1-Related Hereditary Pancreatitis. Identifiers: Orphanet 676, MedGen C0238339, MONDO:0008185, OMIM 167800.

Allele frequency attached by ClinVar (database versions not stated): gnomAD exomes 0.00001.
gnomAD v4.1: 9 of 1,613,958 alleles (0.00056%); highest among the groups gnomAD compares: Non-Finnish European, 0.00068%; no homozygotes.

Submissions (3):

Ambry Genetics
Classification: Uncertain significance for Hereditary pancreatitis. Last evaluated: 2025-12-22. Review status: criteria provided, single submitter. Criteria: Ambry Variant Classification Scheme 2023. Collection method: clinical testing. Allele origin: germline.
Comment: The p.L116P variant (also known as c.347T>C), located in coding exon 4 of the CTRC gene, results from a T to C substitution at nucleotide position 347. The leucine at codon 116 is replaced by proline, an amino acid with similar properties. This amino acid position is conserved. In addition, this alteration is predicted to be tolerated by in silico analysis. Since supporting evidence is limited at this time, the clinical significance of this alteration remains unclear.

Mayo Clinic Laboratories, Mayo Clinic
Classification: Uncertain significance. Last evaluated: 2022-11-23. Review status: criteria provided, single submitter. Criteria: ACMG Guidelines, 2015. Collection method: clinical testing. Allele origin: germline. Observed: 1 variant allele.
Comment: PM2

Labcorp Genetics (formerly Invitae), Labcorp
Classification: Uncertain significance for Hereditary pancreatitis. Last evaluated: 2022-04-22. Review status: criteria provided, single submitter. Criteria: Invitae Variant Classification Sherloc (09022015). Collection method: clinical testing. Allele origin: germline.
Comment: In summary, the available evidence is currently insufficient to determine the role of this variant in disease. Therefore, it has been classified as a Variant of Uncertain Significance. Advanced modeling of protein sequence and biophysical properties (such as structural, functional, and spatial information, amino acid conservation, physicochemical variation, residue mobility, and thermodynamic stability) performed at Invitae indicates that this missense variant is not expected to disrupt CTRC protein function. This variant has not been reported in the literature in individuals affected with CTRC-related conditions. This variant is present in population databases (no rsID available, gnomAD 0.0009%). This sequence change replaces leucine, which is neutral and non-polar, with proline, which is neutral and non-polar, at codon 116 of the CTRC protein (p.Leu116Pro).